The following is an entry in ClinVar:

NM_020872.3(CNTN3):c.1810G>A (p.Val604Met)

Gene: CNTN3 (contactin 3; minus strand). Cytogenetic location: 3p12.3.
Variant type: single nucleotide variant.
Coding change: c.1810G>A on transcript NM_020872.3 (MANE Select); coding-DNA position 1810, G replaced by A.
Protein change: p.Val604Met; replaces valine 604 with methionine.
Molecular consequence: missense variant.
Genome position (GRCh38, 1-based): chr3:74,301,782, C>T on the plus strand (G>A on the coding strand, the complement: CNTN3 is on the minus strand). VCF-style: chr3-74301782-C-T. GRCh37 (hg19) VCF-style: chr3-74350933-C-T.
Other names: c.1810G>A, p.Val604Met (NM_001393376.1); short protein forms V604M.
Identifiers: ClinVar variation 3037424 (VCV003037424.2), dbSNP rs140530465, ClinGen allele CA2495120.

ClinVar aggregate classification (germline): Likely benign (0 of 4 stars; one submission).

Conditions:
CNTN3-related disorder. Also called: CNTN3-related condition.

Allele frequency attached by ClinVar (database versions not stated): 1000 Genomes Project 30x 0.00016; 1000 Genomes Project 0.00020; gnomAD 0.00090; TOPMed 0.00093; ESP Exome Variant Server 0.00123; ExAC 0.00126; gnomAD exomes 0.00132.
gnomAD v4.1: 2,054 of 1,614,020 alleles (0.13%); highest among the groups gnomAD compares: Admixed American, 0.18%; 3 homozygotes.

Submission:

PreventionGenetics, part of Exact Sciences
Classification: Likely benign for CNTN3-related condition. Last evaluated: 2019-07-15. Review status: no assertion criteria provided. Collection method: clinical testing. Allele origin: germline.
Comment: This variant is classified as likely benign based on ACMG/AMP sequence variant interpretation guidelines (Richards et al. 2015 PMID: 25741868, with internal and published modifications).